The following is an entry in ClinVar:

ClinVar aggregate classification (germline): Uncertain significance (1 of 4 stars; one submission).

Submission:

Labcorp Genetics (formerly Invitae), Labcorp
Classification: Uncertain significance. Last evaluated: 2018-05-09. Review status: criteria provided, single submitter. Criteria: Invitae Variant Classification Sherloc (09022015). Collection method: clinical testing. Allele origin: germline.
Comment: In summary, the available evidence is currently insufficient to determine the role of this variant in disease. Therefore, it has been classified as a Variant of Uncertain Significance. Experimental studies and prediction algorithms are not available for this variant, and the functional significance of the deleted amino acid is currently unknown. This variant has been observed in an individual affected with breast cancer (PMID: 25050558). This variant is not present in population databases (ExAC no frequency). This variant, c.1132_1134delATG, results in the deletion of 1 amino acid of the RINT1 protein (p.Met378del), but otherwise preserves the integrity of the reading frame.

Literature cited by the submitters: PubMed 25050558.

NM_021930.6(RINT1):c.1129ATG[1] (p.Met378del)

Gene: RINT1 (RAD50 interactor 1; plus strand). Cytogenetic location: 7q22.3.
Variant type: Microsatellite.
Coding change: c.1129ATG[1] on transcript NM_021930.6 (MANE Select); one copy of the 3-base unit ATG starting at c.1129; the reference has two copies in a row; one copy, 3 bases deleted.
Protein change: p.Met378del; deletes methionine 378.
Molecular consequence: inframe deletion. On other transcripts: non-coding transcript variant (1).
Genome position (GRCh38, 1-based): chr7:105,550,285-105,550,287, ATG deleted; deleting any 3 consecutive bases within chr7:105,550,282-105,550,287 gives the same sequence; the position shown is the placement nearest the transcript's 3' end. VCF-style (leftmost placement, unchanged base first): chr7-105550281-TATG-T. GRCh37 (hg19) VCF-style: chr7-105190728-TATG-T.
Other names: c.895ATG[1], p.Met300del (NM_001346599.2); c.106ATG[1], p.Met37del (NM_001346600.2, NM_001346603.2); c.205ATG[1], p.Met70del (NM_001346601.2); short protein forms M378del, M70del, M300del, M37del.
Identifiers: ClinVar variation 1034526 (VCV001034526.8), dbSNP rs1210209725, ClinGen allele CA501177.
Genomic context (GRCh38, chr7:105,550,281, plus strand): 5'-ACTTTTTATTTACATACCTCATGTTTGTGTATTTTTTTAGCTTGAATTTTCTCGGGGCCT[TATG>T]ATGCTGGTTCTTGAGAAGTTAGCCACTGATATTCCTTGTCTGCTATATGATGACAATCTC-3'